The following is an entry in ClinVar:

NM_022436.3(ABCG5):c.1762+1G>A

Genes: ABCG5 (ATP binding cassette subfamily G member 5; minus strand), DYNC2LI1 (dynein cytoplasmic 2 light intermediate chain 1; plus strand). Cytogenetic location: 2p21.
Variant type: single nucleotide variant.
Coding change: c.1762+1G>A on transcript NM_022436.3 (MANE Select); the canonical splice donor site of the intron after coding-DNA position 1762, G replaced by A.
Molecular consequence: splice donor variant. On other transcripts: intron variant (2).
Genome position (GRCh38, 1-based): chr2:43,814,476, C>T on the plus strand (G>A on the coding strand, the complement: ABCG5 is on the minus strand). VCF-style: chr2-43814476-C-T. GRCh37 (hg19) VCF-style: chr2-44041615-C-T.
Other names: c.*15+3952C>T (NM_001348913.2, NM_001348912.2).
Identifiers: ClinVar variation 2537289 (VCV002537289.6), dbSNP rs754944896, ClinGen allele CA1636179.
Genomic context (GRCh38, chr2:43,814,476, plus strand): 5'-TCCAAGAAATTGCTTCCTCAGAGTAACATGCAAAAATAATATCCCCAAATAGAATACTTA[C>T]CACAAGTGAAATTCAGTCCGTAGAACTCATTGACTACAAGAATCTCACTGCAATATTTTT-3'

ClinVar aggregate classification (germline): Pathogenic/Likely pathogenic. Review status: criteria provided, multiple submitters, no conflicts (2 of 4 stars). 3 submissions from 3 submitters: Pathogenic (2); Likely pathogenic (1). Last evaluated 2026-03-05.

Conditions:
Sitosterolemia 2. Identifiers: MedGen C5231453, MONDO:0020748, OMIM 618666.
Sitosterolemia (STSL). Also called: PHYTOSTEROLEMIA. Identifiers: Orphanet 2882, MedGen C0342907, MONDO:0008863.
Cardiovascular phenotype. Identifiers: MedGen CN230736.

Allele frequency attached by ClinVar (database versions not stated): gnomAD 0.00001; ExAC 0.00002; TOPMed 0.00001.
gnomAD v4.1: 2 of 1,584,582 alleles (0.00013%); highest among the groups gnomAD compares: East Asian, 0.0045%; no homozygotes.

Submissions (3):

Department of Cardiology, Mackay Memorial Hospital
Classification: Likely pathogenic for Sitosterolemia. Last evaluated: 2026-03-05. Review status: criteria provided, single submitter. Criteria: ACMG Guidelines, 2015. Collection method: clinical testing. Allele origin: germline. Affected: yes.
Comment: The ABCG5 c.1762+1G>A (Accession: VCV002537289.3) variant affects the canonical splice donor site immediately downstream of exon 12. Because this alteration occurs near the 3′ end of the gene, the resulting transcript is not expected to undergo nonsense-mediated decay; however, abnormal splicing could alter approximately the C-terminal 101 amino acids, representing about 15% of the ABCG5 protein. Although the precise functional consequence has not been experimentally confirmed, the affected C-terminal region is considered important for normal protein function. This variant is extremely rare in gnomAD, with an overall allele frequency of approximately 0.001% (3/250,980 alleles), with the highest reported frequency among East Asian individuals (approximately 0.016%; 3/18,378 alleles). It has also been reported in trans with pathogenic or likely pathogenic ABCG5 variants in individuals with sitosterolemia. The affected nucleotide is highly conserved across vertebrate species, and in silico splice-site analyses predict weakening or disruption of the native donor site. Taken together, the available population, genetic, and computational evidence supports classification of this variant as likely pathogenic.

Ambry Genetics
Classification: Pathogenic for Cardiovascular phenotype. Last evaluated: 2023-05-08. Review status: criteria provided, single submitter. Criteria: Ambry Variant Classification Scheme 2023. Collection method: clinical testing. Allele origin: germline.
Comment: The c.1762+1G>A intronic alteration consists of a G to A substitution one nucleotide after exon 12 (C) of the ABCG5 gene. This alteration occurs at the 3' terminus of the ABCG5 gene, is not expected to trigger nonsense-mediated mRNA decay, and impacts the last 101 amino acids (15%) of the protein. The exact functional effect of this alteration is unknown; however, a significant portion of the protein is affected and the impacted region is critical for protein function (Ambry internal data). Based on data from gnomAD, the A allele has an overall frequency of 0.001% (3/250980) total alleles studied. The highest observed frequency was 0.016% (3/18378) of East Asian alleles. This variant has been reported as occurring in trans with ABCG5 likely pathogenic and pathogenic variants in individuals reported to have sitosterolemia (Xia, 2022). This nucleotide position is highly conserved in available vertebrate species. In silico splice site analysis predicts that this alteration may weaken the native splice donor site. Based on the available evidence, this alteration is classified as pathogenic.

Juno Genomics, Hangzhou Juno Genomics, Inc
Classification: Pathogenic for Sitosterolemia 2. Review status: criteria provided, single submitter. Criteria: ACMG Guidelines, 2015. Collection method: clinical testing. Allele origin: germline.
Comment: Absent from controls (or at extremely low frequency if recessive) in Genome Aggregation Database.;Null variant in a gene where loss of function (LOF) is a known mechanism of disease.;For recessive disorders, detected in trans with a pathogenic variant.;Patient's phenotype or family history is highly specific for a disease with a single genetic etiology.

Literature cited by the submitters: PubMed 34969652 (cited by Department of Cardiology, Mackay Memorial Hospital and Ambry Genetics).